The following is an entry in ClinVar:

ClinVar aggregate classification (germline): Pathogenic (1 of 4 stars; one submission).

Conditions:
Long QT syndrome (LQTS). Identifiers: MedGen C0023976, MeSH D008133, MONDO:0002442. Disease mechanism: loss of function. Inheritance: Various modes of inheritance.

Submission:

Labcorp Genetics (formerly Invitae), Labcorp
Classification: Pathogenic for Long QT syndrome. Last evaluated: 2025-10-07. Review status: criteria provided, single submitter. Criteria: Invitae Variant Classification Sherloc (09022015). Collection method: clinical testing. Allele origin: germline.
Comment: This sequence change creates a premature translational stop signal (p.Asp896Argfs*79) in the KCNH2 gene. It is expected to result in an absent or disrupted protein product. Loss-of-function variants in KCNH2 are known to be pathogenic (PMID: 10973849, 19862833). This variant is not present in population databases (gnomAD no frequency). This premature translational stop signal has been observed in individual(s) with malignant ventricular arrhythmia (PMID: 34901807). For these reasons, this variant has been classified as Pathogenic.

Literature cited by the submitters: PubMed 10973849; PubMed 19862833; PubMed 34901807.

NM_000238.4(KCNH2):c.2683_2684dup (p.Asp896fs)

Gene: KCNH2 (potassium voltage-gated channel subfamily H member 2; minus strand). Cytogenetic location: 7q36.1.
Variant type: Duplication.
Coding change: c.2683_2684dup on transcript NM_000238.4 (MANE Select); coding-DNA positions 2683 to 2684, 2 bases duplicated (AC; older notation c.2683_2684dupAC).
Protein change: p.Asp896fs; shifts the reading frame from aspartic acid 896.
Molecular consequence: frameshift variant. On other transcripts: non-coding transcript variant (2).
Genome position (GRCh38, 1-based): chr7:150,948,452-150,948,453, GT duplicated on the plus strand (AC on the coding strand, the reverse complement: KCNH2 is on the minus strand); duplicating any 2 consecutive bases within chr7:150,948,452-150,948,454 gives the same sequence; the c. name uses the placement nearest the transcript's 3' end. VCF-style (leftmost placement, unchanged base first): chr7-150948451-C-CGT. GRCh37 (hg19) VCF-style: chr7-150645539-C-CGT.
Other names: c.2395_2396dup, p.Asp800fs (NM_001406753.1); c.1663_1664dup, p.Asp556fs (NM_172057.3); short protein forms D896fs, D556fs, D800fs.
Identifiers: ClinVar variation 4728357 (VCV004728357.1).